The following is an entry in ClinVar:

NM_007294.4(BRCA1):c.759A>T (p.Ala253=)

Gene: BRCA1 (BRCA1 DNA repair associated; minus strand). Cytogenetic location: 17q21.31.
Variant type: single nucleotide variant.
Coding change: c.759A>T on transcript NM_007294.4 (MANE Select); coding-DNA position 759, A replaced by T.
Protein change: p.Ala253=; no amino-acid change (alanine 253 retained).
Molecular consequence: synonymous variant. On other transcripts: 5 prime UTR variant (2), intron variant (13).
Genome position (GRCh38, 1-based): chr17:43,094,772, T>A on the plus strand (A>T on the coding strand, the complement: BRCA1 is on the minus strand). VCF-style: chr17-43094772-T-A. GRCh37 (hg19) VCF-style: chr17-41246789-T-A.
Other names: c.546A>T, p.Ala182= (NM_001407571.1, NM_001407853.1, NM_001407894.1 and 12 more transcripts); c.759A>T, p.Ala253= (NM_001407581.1, NM_001407582.1, NM_001407583.1 and 54 more transcripts); c.756A>T, p.Ala252= (NM_001407587.1, NM_001407590.1, NM_001407591.1 and 38 more transcripts); c.750A>T, p.Ala250= (NM_001407646.1, NM_001407647.1, NM_001408408.1); c.636A>T, p.Ala212= (NM_001407648.1, NM_001407664.1, NM_001407665.1 and 34 more transcripts); c.633A>T, p.Ala211= (NM_001407649.1, NM_001407670.1, NM_001407671.1 and 20 more transcripts); c.681A>T, p.Ala227= (NM_001407653.1, NM_001407654.1, NM_001407655.1 and 9 more transcripts); c.678A>T, p.Ala226= (NM_001407659.1, NM_001407660.1, NM_001407661.1 and 3 more transcripts); and 20 more.
Identifiers: ClinVar variation 427254 (VCV000427254.4), dbSNP rs1131692069, ClinGen allele CA500233515.

ClinVar aggregate classification (germline): Likely benign (3 of 4 stars; one submission).

Conditions:
Breast-ovarian cancer, familial, susceptibility to, 1 (BROVCA1). Also called: BRCA1 Hereditary Breast and Ovarian Cancer; OVARIAN CANCER, SUSCEPTIBILITY TO. Identifiers: Orphanet 145, MedGen C2676676, MONDO:0011450, OMIM 604370. Disease mechanism: loss of function.

Submission:

Evidence-based Network for the Interpretation of Germline Mutant Alleles (ENIGMA)
Classification: Likely benign for Breast-ovarian cancer, familial, susceptibility to, 1. Last evaluated: 2017-06-29. Review status: reviewed by expert panel. Criteria: ENIGMA BRCA1/2 Classification Criteria (2017-06-29). Collection method: curation. Allele origin: germline.
Comment: Synonymous substitution variant, with low bioinformatic likelihood to result in a splicing aberration (Splicing prior probability 0.02).